The following is an entry in ClinVar:

ClinVar aggregate classification (germline): Uncertain significance. Review status: criteria provided, multiple submitters, no conflicts (2 of 4 stars). 2 submissions from 2 submitters: Uncertain significance (2). Last evaluated 2023-06-21.

Conditions:
RASopathy. Also called: Noonan spectrum disorder; rasopathies. Identifiers: Orphanet 536391, MedGen C5555857, MONDO:0021060.

Submissions (2):

GeneDx
Classification: Uncertain significance. Last evaluated: 2023-06-21. Review status: criteria provided, single submitter. Criteria: GeneDx Variant Classification Process June 2021. Collection method: clinical testing. Allele origin: germline. Affected: yes.
Comment: Not observed at significant frequency in large population cohorts (gnomAD); Missense variants in this gene are often considered pathogenic (HGMD); In silico analysis supports that this missense variant does not alter protein structure/function; Has not been previously published as pathogenic or benign to our knowledge; This variant is associated with the following publications: (PMID: 29493581)

Labcorp Genetics (formerly Invitae), Labcorp
Classification: Uncertain significance for RASopathy. Last evaluated: 2023-04-11. Review status: criteria provided, single submitter. Criteria: Invitae Variant Classification Sherloc (09022015). Collection method: clinical testing. Allele origin: germline.
Comment: In summary, the available evidence is currently insufficient to determine the role of this variant in disease. Therefore, it has been classified as a Variant of Uncertain Significance. Advanced modeling of protein sequence and biophysical properties (such as structural, functional, and spatial information, amino acid conservation, physicochemical variation, residue mobility, and thermodynamic stability) has been performed at Invitae for this missense variant, however the output from this modeling did not meet the statistical confidence thresholds required to predict the impact of this variant on SOS1 protein function. This variant has not been reported in the literature in individuals affected with SOS1-related conditions. This variant is not present in population databases (gnomAD no frequency). This sequence change replaces proline, which is neutral and non-polar, with arginine, which is basic and polar, at codon 1091 of the SOS1 protein (p.Pro1091Arg).

NM_005633.4(SOS1):c.3272C>G (p.Pro1091Arg)

Gene: SOS1 (SOS Ras/Rac guanine nucleotide exchange factor 1; minus strand). Cytogenetic location: 2p22.1.
Variant type: single nucleotide variant.
Coding change: c.3272C>G on transcript NM_005633.4 (MANE Select); coding-DNA position 3272, C replaced by G.
Protein change: p.Pro1091Arg; replaces proline 1091 with arginine.
Molecular consequence: missense variant.
Genome position (GRCh38, 1-based): chr2:38,995,197, G>C on the plus strand (C>G on the coding strand, the complement: SOS1 is on the minus strand). VCF-style: chr2-38995197-G-C. GRCh37 (hg19) VCF-style: chr2-39222338-G-C.
Other names: c.3251C>G, p.Pro1084Arg (NM_001382394.1); c.3272C>G, p.Pro1091Arg (NM_001382395.1); short protein forms P1084R, P1091R.
Identifiers: ClinVar variation 2993189 (VCV002993189.4), dbSNP rs2528914487, ClinGen allele CA346360564.
Genomic context (GRCh38, chr2:38,995,197, plus strand): 5'-CTCGAATGATCGGAATCAAATACACTGCAAACATCTGTGGTACTGGAAGCACCAGAAGCA[G>C]GCGGAGGTGTTAACGGTGTTCTTGGAGAATTTGGTGCAGATGCTGTACTTTCTGTTTCAC-3'
Protein context (NP_005624.2, residues 1081-1101): NSPRTPLTPP[Pro1091Arg]ASGASSTTDV